The following is an entry in ClinVar:

ClinVar aggregate classification (germline): Conflicting classifications of pathogenicity. Review status: criteria provided, conflicting classifications (1 of 4 stars). 3 submissions from 3 submitters: Uncertain significance (1); Benign (1); Likely benign (1). Last evaluated 2026-01-14.

Allele frequency attached by ClinVar (database versions not stated): gnomAD 0.00001 and 0.00047; TOPMed 0.00004; gnomAD exomes 0.00061 and 0.00122; ExAC 0.00145; 1000 Genomes Project 30x 0.00328; 1000 Genomes Project 0.00379.
gnomAD v4.1: 960 of 1,612,924 alleles (0.06%); highest among the groups gnomAD compares: South Asian, 1%; 10 homozygotes.

Submissions (3):

Labcorp Genetics (formerly Invitae), Labcorp
Classification: Benign. Last evaluated: 2026-01-14. Review status: criteria provided, single submitter. Criteria: Invitae Variant Classification Sherloc (09022015). Collection method: clinical testing. Allele origin: germline.

Blueprint Genetics
Classification: Likely benign. Last evaluated: 2024-08-29. Review status: criteria provided, single submitter. Criteria: ACMG Guidelines, 2015. Collection method: clinical testing. Allele origin: germline.

ARUP Laboratories, Molecular Genetics and Genomics, ARUP Laboratories
Classification: Uncertain significance. Last evaluated: 2019-06-19. Review status: criteria provided, single submitter. Criteria: ARUP Molecular Germline Variant Investigation Process. Collection method: clinical testing. Allele origin: germline.
Comment: The SAG c.511A>G; p.Lys171Glu variant (rs552862207), to our knowledge, is not reported in the medical literature or gene-specific databases. The variant is found in the South Asian population with an allele frequency of 0.95% (291/30600 alleles including 2 homozygotes) in the Genome Aggregation Database. The amino acid at this position is weakly conserved and computational analyses (SIFT: Damaging, PolyPhen-2: Benign) predict conflicting effects of this variant on protein structure/function. Due to limited information, the clinical significance of the variant is uncertain at this time.

NM_000541.5(SAG):c.511A>G (p.Lys171Glu)

Gene: SAG (S-antigen visual arrestin; plus strand). Cytogenetic location: 2q37.1.
Variant type: single nucleotide variant.
Coding change: c.511A>G on transcript NM_000541.5 (MANE Select); coding-DNA position 511, A replaced by G.
Protein change: p.Lys171Glu; replaces lysine 171 with glutamic acid.
Molecular consequence: missense variant.
Genome position (GRCh38, 1-based): chr2:233,327,196, A>G. VCF-style: chr2-233327196-A-G. GRCh37 (hg19) VCF-style: chr2-234235842-A-G.
Other names: short protein forms K171E.
Identifiers: ClinVar variation 724577 (VCV000724577.19), dbSNP rs552862207, ClinGen allele CA2174398.